The following is an entry in ClinVar:

ClinVar aggregate classification (germline): Likely benign. Review status: criteria provided, multiple submitters, no conflicts (2 of 4 stars). 3 submissions from 3 submitters: Likely benign (3). Last evaluated 2025-12-08.

Allele frequency attached by ClinVar (database versions not stated): 1000 Genomes Project 0.00020; 1000 Genomes Project 30x 0.00031; gnomAD 0.00052 and 0.00061; TOPMed 0.00058; ESP Exome Variant Server 0.00062.
gnomAD v4.1: 186 of 1,614,130 alleles (0.012%); highest among the groups gnomAD compares: African/African-American, 0.17%; no homozygotes.

Submissions (3):

Labcorp Genetics (formerly Invitae), Labcorp
Classification: Likely benign. Last evaluated: 2025-12-08. Review status: criteria provided, single submitter. Criteria: Invitae Variant Classification Sherloc (09022015). Collection method: clinical testing. Allele origin: germline.

CeGaT Center for Human Genetics Tuebingen
Classification: Likely benign. Last evaluated: 2023-02-01. Review status: criteria provided, single submitter. Criteria: CeGaT Center For Human Genetics Tuebingen Variant Classification Criteria Version 2. Collection method: clinical testing. Allele origin: germline. Affected: yes. Observed: 1 variant allele.
Comment: RNF216: BP4, BP7

Blueprint Genetics
Classification: Likely benign. Last evaluated: 2019-10-15. Review status: criteria provided, single submitter. Criteria: ACMG Guidelines, 2015. Collection method: clinical testing. Allele origin: germline.

NM_207111.4(RNF216):c.1311C>T (p.Ala437=)

Gene: RNF216 (ring finger protein 216; minus strand). Cytogenetic location: 7p22.1.
Variant type: single nucleotide variant.
Coding change: c.1311C>T on transcript NM_207111.4 (MANE Select); coding-DNA position 1311, C replaced by T.
Protein change: p.Ala437=; no amino-acid change (alanine 437 retained).
Molecular consequence: synonymous variant.
Genome position (GRCh38, 1-based): chr7:5,729,510, G>A on the plus strand (C>T on the coding strand, the complement: RNF216 is on the minus strand). VCF-style: chr7-5729510-G-A. GRCh37 (hg19) VCF-style: chr7-5769141-G-A.
Other names: c.1140C>T, p.Ala380= (NM_207116.3).
Identifiers: ClinVar variation 786896 (VCV000786896.34), dbSNP rs150346784, ClinGen allele CA4148246.